The following is an entry in ClinVar:

NM_001904.4(CTNNB1):c.496-1G>A

Genes: CTNNB1 (catenin beta 1; plus strand), LOC126806658 (BRD4-independent group 4 enhancer GRCh37_chr3:41265899-41267098; plus strand). Cytogenetic location: 3p22.1.
Variant type: single nucleotide variant.
Coding change: c.496-1G>A on transcript NM_001904.4 (MANE Select); the canonical splice acceptor site of the intron before coding-DNA position 496, G replaced by A.
Molecular consequence: splice acceptor variant.
Genome position (GRCh38, 1-based): chr3:41,225,333, G>A. VCF-style: chr3-41225333-G-A. GRCh37 (hg19) VCF-style: chr3-41266824-G-A.
Other names: c.475-1G>A (NM_001330729.2); c.496-1G>A (NM_001098209.2, NM_001098210.2, NM_001438874.1 and 4 more transcripts).
Identifiers: ClinVar variation 5007675 (VCV005007675.1).
Genomic context (GRCh38, chr3:41,225,333, plus strand): 5'-GAATGTCTACCCAATACCAGTACTTGAAAACTAACGATGTTTCTGAATTCCTGTATTACA[G>A]GTGGTGGTTAATAAGGCTGCAGTTATGGTCCATCAGCTTTCTAAAAAGGAAGCTTCCAGA-3'

ClinVar aggregate classification (germline): Likely pathogenic (1 of 4 stars; one submission).

Conditions:
Severe intellectual disability-progressive spastic diplegia syndrome (NEDSDV). Also called: NEURODEVELOPMENTAL DISORDER WITH SPASTIC DIPLEGIA AND VISUAL DEFECTS; CTNNB1 Neurodevelopmental Disorder. Identifiers: Orphanet 404473, MedGen C3554449, MONDO:0014035, OMIM 615075.

Submission:

Juno Genomics, Hangzhou Juno Genomics, Inc
Classification: Likely pathogenic for Severe intellectual disability-progressive spastic diplegia syndrome. Review status: criteria provided, single submitter. Criteria: ACMG Guidelines, 2015. Collection method: clinical testing. Allele origin: germline. Affected: yes.
Comment: Absent from controls (or at extremely low frequency if recessive) in Genome Aggregation Database.;Null variant in a gene where loss of function (LOF) is a known mechanism of disease.